The following continues an entry in ClinVar:

NM_000350.3(ABCA4):c.2588G>C (p.Gly863Ala)

Gene: ABCA4. ClinVar aggregate classification (germline): Uncertain significance. Uncertain significance (1).

Submissions 6 to 15 of 53:

PreventionGenetics, part of Exact Sciences
Classification: Likely pathogenic for ABCA4-related condition. Last evaluated: 2026-06-09. Review status: criteria provided, single submitter. Criteria: ACMG Guidelines, 2015. Collection method: clinical testing. Allele origin: germline. Not counted in ClinVar's aggregate classification.
Comment: The ABCA4 c.2588G>C variant is predicted to result in the amino acid substitution p.Gly863Ala. This variant is also predicted to alter splicing based on available splicing prediction programs (SpliceAI, Jaganathan et al. 2019. PubMed ID: 30661751). This variant is the first nucleotide of exon 17 and a functional study using RT-PCR analysis confirmed that this variant results in a mixture of predicted proteins either lacking one amino acid (p.Gly863del) or carrying the p.Gly863Ala substitution (Maugeri et al. 1999. PubMed ID: 10090887). This variant is reported in 0.78% of alleles in individuals of European (Non-Finnish) descent in gnomAD, including >40 homozygous individuals in the latest dataset, which is evidence that this variant is likely to have reduced penetrance or low expressivity in the homozygous state. Several studies have supported that this variant is mild and only causes Stargardt disease when in trans (on the opposite chromosome) with a severe ABCA4 pathogenic variant (Maugeri et al. 1999. PubMed ID: 10090887; Allikmets et al. 1997. PubMed ID: 9054934; Papaioannou et al. 2000. PubMed ID: 10634594; Suárez et al. 2002. PubMed ID: 11919200). This variant has also been found in cis (on the same chromosome) with another pathogenic variant (c.6088C>T, p.Arg2030*) in two siblings, who carried another pathogenic variant in trans (Song et al. 2015. PubMed ID: 26247787). Functional studies demonstrated that this variant results in a decrease of both basal and retinal-stimulated ATPase activity (Sun et al. 2000. PubMed ID: 11017087). This variant has been classified as a variant of uncertain significance by the ClinGen ABCA4 Variant Curation Expert Panel (Variation ID: 7879), noting that it may be clinically relevant when in cis with other ABCA4 variants. This variant is interpreted as likely pathogenic with reduced penetrance.

Labcorp Genetics (formerly Invitae), Labcorp
Classification: Pathogenic, low penetrance. Last evaluated: 2026-02-01. Review status: criteria provided, single submitter. Criteria: Invitae Variant Classification Sherloc (09022015). Collection method: clinical testing. Allele origin: germline. Not counted in ClinVar's aggregate classification.
Comment: This sequence change replaces glycine, which is neutral and non-polar, with alanine, which is neutral and non-polar, at codon 863 of the ABCA4 protein (p.Gly863Ala). This variant is present in population databases (rs76157638, gnomAD 0.8%), including at least one homozygous and/or hemizygous individual. This variant has been reported in the compound-heterozygous state in several individuals and families affected with Stargardt disease and retinitis pigmentosa (PMID: 10612508, 10634594, 10090887, 12192456, 9054934, 23695285, 26247787, 25097241, 28041643). However, studies suggest that this is a mild variant that may only cause disease when in combination with a severe, pathogenic ABCA4 variant (PMID: 10090887). ClinVar contains an entry for this variant (Variation ID: 7879). An algorithm developed to predict the effect of missense changes on protein structure and function (PolyPhen-2) suggests that this variant is likely to be disruptive. Experimental studies have shown that this variant results in the production of two transcripts: one that lacks glycine 863 and the other with the Gly863Ala missense change (PMID: 10090887). Additional functional studies have shown that this missense change affects nucleotide hydrolysis and reduces the interaction of ABCA4 with 11-cis-retinal (PMID: 11919200, 23144455, 11017087). Algorithms developed to predict the effect of sequence changes on RNA splicing suggest that this variant may create or strengthen a splice site. In summary, this variant is reported to cause autosomal recessive Stargardt disease and retinitis pigmentosa. However, as this variant is associated with a lower penetrance than other pathogenic alleles in the ABCA4 gene, and as it may not result in disease in the homozygous state, it has been classified as Pathogenic (low penetrance).

Variantyx, Inc.
Classification: Pathogenic for autosomal recessive ABCA4-related retinopathy. Last evaluated: 2025-12-15. Review status: criteria provided, single submitter. Criteria: Variantyx Assertion Criteria 2022. Collection method: clinical testing. Allele origin: germline. Inheritance: Autosomal recessive inheritance. Not counted in ClinVar's aggregate classification.
Comment: This is a nonsynonymous variant in the ABCA4 gene (OMIM: 601691). Pathogenic variants in this gene have been associated with autosomal recessive ABCA4-related retinopathy. This variant has been reported in the compound heterozygous state in many unrelated, affected individuals, and may be deleterious only when in trans with another severely pathogenic allele (PMID: 10090887, 9054934, 31816670, 30718709, 25082885, 32531858, 28341476, 10612508) (PM3_Very_Strong). It is not known to cause disease in the homozygous state. Functional studies have shown that this variant alters ABCA4 protein function (PMID: 10090887, 32845050, 29162642, 11017087) (PS3) and multiple computational algorithms predict a deleterious effect for this variant (REVEL score: 0.798) (PP3_Moderate). This variant has a 0.8896% maximum allele frequency in non-founder control populations. Based on the current evidence, this variant is classified as pathogenic for autosomal recessive ABCA4-related disorders. This variant has often been found in cis with the c.5603A>T variant, forming a complex allele which can modify the penetrance and severity of disease (PMID: 30670881, 28446513).

Revvity Omics, Revvity
Classification: Pathogenic. Last evaluated: 2025-07-07. Review status: criteria provided, single submitter. Criteria: ACMG Guidelines, 2015. Collection method: clinical testing. Allele origin: germline. Not counted in ClinVar's aggregate classification.

Greenwood Genetic Center Diagnostic Laboratories, Greenwood Genetic Center
Classification: Pathogenic for ABCA4-related disorder. Last evaluated: 2025-06-18. Review status: criteria provided, single submitter. Criteria: ACMG Guidelines, 2015. Collection method: clinical testing. Allele origin: germline. Affected: yes. Not counted in ClinVar's aggregate classification.
Comment: PS3, PM3_Strong

Institute of Immunology and Genetics Kaiserslautern
Classification: Pathogenic for Severe early-childhood-onset retinal dystrophy. Last evaluated: 2025-04-25. Review status: criteria provided, single submitter. Criteria: ACMG Guidelines, 2015. Collection method: clinical testing. Allele origin: germline. Affected: yes. Not counted in ClinVar's aggregate classification.
Comment: ACMG Criteria: PS3, PS4, PM1, PM3, PP3, PP5 ; Variant was found in heterozygous state.

Blueprint Genetics
Classification: Pathogenic for ABCA4-related disorders. Last evaluated: 2024-11-25. Review status: criteria provided, single submitter. Criteria: ACMG Guidelines, 2015. Collection method: clinical testing. Allele origin: germline. Affected: yes. Observed: 5 variant alleles. Not counted in ClinVar's aggregate classification.

3billion
Classification: Likely pathogenic for ABCA4-related disorder. Last evaluated: 2024-11-18. Review status: criteria provided, single submitter. Criteria: ACMG Guidelines, 2015. Collection method: clinical testing. Allele origin: germline. Affected: yes. Not counted in ClinVar's aggregate classification.
Comment: The variant is observed in the gnomAD v4.1.0 dataset (total allele frequency: 0.706%). Predicted Consequence/Location: Missense variant In silico tool predictions suggest damaging effect of the variant on gene or gene product [REVEL: 0.80 (>=0.6, sensitivity 0.68 and specificity 0.92); 3Cnet: 0.93 (>=0.6, sensitivity 0.72 and precision 0.9)]. The same nucleotide change resulting in the same amino acid change has been previously reported as pathogenic/likely pathogenic with strong evidence (ClinVar ID: VCV000007879 /PMID: 9054934 /3billion dataset). A different missense change at the same codon (p.Gly863Val) has been reported to be associated with ABCA4-related disorder (PMID: 32619608). Therefore, this variant is classified as Likely pathogenic according to the recommendation of ACMG/AMP guideline.

Fulgent Genetics
Classification: Pathogenic for Age related macular degeneration 2; Severe early-childhood-onset retinal dystrophy; Retinitis pigmentosa 19; Cone-rod dystrophy 3. Last evaluated: 2024-03-05. Review status: criteria provided, single submitter. Criteria: ACMG Guidelines, 2015. Collection method: clinical testing. Allele origin: germline. Not counted in ClinVar's aggregate classification.

ARUP Laboratories, Molecular Genetics and Genomics, ARUP Laboratories
Classification: Likely pathogenic. Last evaluated: 2023-11-03. Review status: criteria provided, single submitter. Criteria: ARUP Molecular Germline Variant Investigation Process 2024. Collection method: clinical testing. Allele origin: germline. Not counted in ClinVar's aggregate classification.
Comment: The ABCA4 c.2588G>C; p.Gly863Ala variant (rs76157638) is reported in the medical literature in individuals with ABCA4-related diseases in the homozygous or compound heterozygous state (Bertelsen 2014, Birtel 2018, Duncker 2015, Khan 2018, Zernant 2017). The variant is reported as pathogenic or likely pathogenic by several sources in the ClinVar database (Variation ID: 7879) but is also listed in the European (non-Finnish) population with an allele frequency of 0.8% (1012/1209076 alleles, including 7 homozygotes) in the Genome Aggregation Database. This variant has been described as a European founder variant and is implicated as a mild pathogenic variant (Maugeri 1999, Zernant 2017). The glycine at this position is highly conserved but computational analyses (SIFT: Damaging, PolyPhen-2: Benign) predict conflicting effects of this variant on protein structure/function. However, the variant has also been shown to cause an alternative splice removing one amino acid (Maugeri 1999). Considering available information, this variant is classified as likely pathogenic but may result in a milder clinical phenotype. References: Bertelsen M et al. Generalized choriocapillaris dystrophy, a distinct phenotype in the spectrum of ABCA4-associated retinopathies. Invest Ophthalmol Vis Sci. 2014 Apr 29;55(4):2766-76. Birtel J et al. Clinical and genetic characteristics of 251 consecutive patients with macular and cone/cone-rod dystrophy. Sci Rep. 2018 Mar 19;8(1):4824. Duncker T et al. Quantitative fundus autofluorescence distinguishes ABCA4-associated and non-ABCA4-associated bull's-eye maculopathy. Ophthalmology. 2015 Feb;122(2):345-55. Khan KN et al. Early Patterns of Macular Degeneration in ABCA4-Associated Retinopathy. Ophthalmology. 2018 May;125(5):735-746. Maugeri A et al. The 2588G-->C mutation in the ABCR gene is a mild frequent founder mutation in the Western European population and allows the classification of ABCR mutations in patients with Stargardt disease. Am J Hum Genet. 1999 Apr;64(4):1024-35. Zernant J et al. Frequent hypomorphic alleles account for a significant fraction of ABCA4 disease and distinguish it from age-related macular degeneration. J Med Genet. 2017 Jun;54(6):404-412.